The following is an entry in ClinVar:

ClinVar aggregate classification (germline): Uncertain significance (1 of 4 stars; one submission).

Submission:

Labcorp Genetics (formerly Invitae), Labcorp
Classification: Uncertain significance. Last evaluated: 2021-07-02. Review status: criteria provided, single submitter. Criteria: Invitae Variant Classification Sherloc (09022015). Collection method: clinical testing. Allele origin: germline.
Comment: This sequence change creates a premature translational stop signal (p.Asn457Glnfs*58) in the ARSG gene. While this is not anticipated to result in nonsense mediated decay, it is expected to disrupt the last 69 amino acid(s) of the ARSG protein. This variant is present in population databases (rs754908316, ExAC 0.01%). This variant has not been reported in the literature in individuals affected with ARSG-related conditions. Experimental studies and prediction algorithms are not available or were not evaluated, and the functional significance of this variant is currently unknown. In summary, the available evidence is currently insufficient to determine the role of this variant in disease. Therefore, it has been classified as a Variant of Uncertain Significance.

NM_001267727.2(ARSG):c.1367dup (p.Asn457fs)

Genes: ARSG (arylsulfatase G; plus strand), PRKAR1A (protein kinase cAMP-dependent type I regulatory subunit alpha; plus strand). Cytogenetic location: 17q24.2.
Variant type: Duplication.
Coding change: c.1367dup on transcript NM_001267727.2 (MANE Select); coding-DNA position 1367, one base duplicated (T; older notation c.1367dupT).
Protein change: p.Asn457fs; shifts the reading frame from asparagine 457.
Molecular consequence: frameshift variant. On other transcripts: intron variant (3).
Genome position (GRCh38, 1-based): chr17:68,420,252, T duplicated; the last of 4 consecutive T bases (chr17:68,420,249-68,420,252); duplicating any one gives the same sequence. VCF-style (leftmost placement, unchanged base first): chr17-68420248-A-AT. GRCh37 (hg19) VCF-style: chr17-66416389-A-AT.
Other names: c.1303+18802dup (NM_001352910.2); c.1255+18802dup (NM_001352909.2); c.-7+6457dup (NM_001278433.2); c.1367dup, p.Asn457fs (NM_001352899.2, NM_001352900.2, NM_001352901.2 and 2 more transcripts); c.1364dup, p.Asn456fs (NM_001352903.2, NM_001352904.2, NM_001352905.2 and 2 more transcripts); short protein forms N457fs, N456fs.
Identifiers: ClinVar variation 1441112 (VCV001441112.7), dbSNP rs754908316, ClinGen allele CA8728569.